The following is an entry in ClinVar:

ClinVar aggregate classification (germline): Uncertain significance (1 of 4 stars; one submission).

Submission:

Labcorp Genetics (formerly Invitae), Labcorp
Classification: Uncertain significance. Last evaluated: 2023-11-15. Review status: criteria provided, single submitter. Criteria: Invitae Variant Classification Sherloc (09022015). Collection method: clinical testing. Allele origin: germline.
Comment: This sequence change falls in intron 3 of the PSMG2 gene. It does not directly change the encoded amino acid sequence of the PSMG2 protein. This variant is not present in population databases (gnomAD no frequency). This variant has not been reported in the literature in individuals affected with PSMG2-related conditions. Algorithms developed to predict the effect of sequence changes on RNA splicing suggest that this variant may disrupt the consensus splice site. In summary, the available evidence is currently insufficient to determine the role of this variant in disease. Therefore, it has been classified as a Variant of Uncertain Significance.

NM_020232.5(PSMG2):c.289-18T>A

Gene: PSMG2 (proteasome assembly chaperone 2; plus strand). Cytogenetic location: 18p11.21.
Variant type: single nucleotide variant.
Coding change: c.289-18T>A on transcript NM_020232.5 (MANE Select); 18 bases into the intron before coding-DNA position 289, T replaced by A.
Molecular consequence: intron variant.
Genome position (GRCh38, 1-based): chr18:12,718,499, T>A. VCF-style: chr18-12718499-T-A. GRCh37 (hg19) VCF-style: chr18-12718498-T-A.
Other names: c.196-18T>A (NM_147163.2).
Identifiers: ClinVar variation 2696005 (VCV002696005.3), dbSNP rs2510995179, ClinGen allele CA2697555318.